The following is an entry in ClinVar:

NM_001378615.1(CC2D2A):c.438+1G>A

Genes: CC2D2A (coiled-coil and C2 domain containing 2A; plus strand), FBXL5 (F-box and leucine rich repeat protein 5; minus strand). Cytogenetic location: 4p15.32.
Variant type: single nucleotide variant.
Coding change: c.438+1G>A on transcript NM_001378615.1 (MANE Select); the canonical splice donor site of the intron after coding-DNA position 438, G replaced by A.
Molecular consequence: splice donor variant.
Genome position (GRCh38, 1-based): chr4:15,502,924, G>A. VCF-style: chr4-15502924-G-A. GRCh37 (hg19) VCF-style: chr4-15504547-G-A.
Other names: c.438+1G>A (NM_001080522.2); c.291+1G>A (NM_001378617.1).
Identifiers: ClinVar variation 858770 (VCV000858770.8), dbSNP rs1453265480, ClinGen allele CA356408456.

ClinVar aggregate classification (germline): Likely pathogenic (1 of 4 stars; one submission).

Conditions:
Meckel-Gruber syndrome. Also called: Dysencephalia splachnocystica; DYSENCEPHALIA SPLANCHNOCYSTICA; GRUBER SYNDROME. Identifiers: Orphanet 564, MedGen C0265215, MONDO:0018921.
Joubert syndrome. Also called: JOUBERT-BOLTSHAUSER SYNDROME; Familial aplasia of the vermis. Identifiers: Orphanet 475, MedGen C5979921, MONDO:0018772.

Allele frequency attached by ClinVar (database versions not stated): gnomAD 0.00001; TOPMed 0.00001.
gnomAD v4.1: 1 of 1,600,950 alleles (0.000062%); highest among the groups gnomAD compares: African/African-American, 0.0013%; no homozygotes.

Submission:

Labcorp Genetics (formerly Invitae), Labcorp
Classification: Likely pathogenic for Joubert syndrome; Meckel-Gruber syndrome. Last evaluated: 2022-11-03. Review status: criteria provided, single submitter. Criteria: Invitae Variant Classification Sherloc (09022015). Collection method: clinical testing. Allele origin: germline.
Comment: This sequence change affects a donor splice site in intron 7 of the CC2D2A gene. It is expected to disrupt RNA splicing. Variants that disrupt the donor or acceptor splice site typically lead to a loss of protein function (PMID: 16199547), and loss-of-function variants in CC2D2A are known to be pathogenic (PMID: 19777577). This variant is not present in population databases (gnomAD no frequency). ClinVar contains an entry for this variant (Variation ID: 858770). This variant has not been reported in the literature in individuals affected with CC2D2A-related conditions. Algorithms developed to predict the effect of sequence changes on RNA splicing suggest that this variant may disrupt the consensus splice site. In summary, the currently available evidence indicates that the variant is pathogenic, but additional data are needed to prove that conclusively. Therefore, this variant has been classified as Likely Pathogenic.

Literature cited by the submitters: PubMed 16199547; PubMed 19777577.